The following is an entry in ClinVar:

ClinVar aggregate classification (germline): Uncertain significance. Review status: criteria provided, multiple submitters, no conflicts (2 of 4 stars). 2 submissions from 2 submitters: Uncertain significance (2). Last evaluated 2024-11-20.

Conditions:
Hereditary cancer-predisposing syndrome. Also called: Neoplastic Syndromes, Hereditary; Tumor predisposition; Hereditary Cancer Syndrome; Hereditary neoplastic syndrome. Identifiers: Orphanet 140162, MedGen C0027672, MeSH D009386, MONDO:0015356.
Neurofibromatosis, type 1 (NF1). Also called: VON RECKLINGHAUSEN DISEASE; Peripheral type neurofibromatosis; NEUROFIBROMATOSIS, TYPE I, SOMATIC; Neurofibromatosis, type I. Identifiers: Orphanet 636, MedGen C0027831, MONDO:0018975, OMIM 162200. Disease mechanism: loss of function.

gnomAD v4.1: 2 of 1,581,188 alleles (0.00013%); highest among the groups gnomAD compares: Non-Finnish European, 0.00017%; no homozygotes.

Submissions (2):

Hema, HEMA – Genetic and Molecular Diagnostic Laboratory
Classification: Uncertain significance for Neurofibromatosis, type 1. Last evaluated: 2024-11-20. Review status: criteria provided, single submitter. Criteria: HEMA Variant Classification Assertion Criteria. Collection method: clinical testing. Allele origin: germline.
Comment: It is a transversion from guanine to cytosine at position -12 of intron 41 of the NF1 gene. PM2_Supporting: Present at very low frequency in the gnomAD database. BP4: According to the splicing predictor SpliceAI, the variant does not affect splicing (delta score = 0.03 ≤ 0.1).

Sema4
Classification: Uncertain significance for Hereditary cancer-predisposing syndrome. Last evaluated: 2021-09-25. Review status: criteria provided, single submitter. Criteria: Sema4 Curation Guidelines. Collection method: curation. Allele origin: germline.
Comment: The NF1 c.6085-12G>C variant has not been reported in literature to our knowledge. This variant was not observed in in the large and broad cohorts of the Genome Aggregation Database (PMID: 32461654). This variant has not been reported in ClinVar. In silico tools that predict the effect of sequence changes on splicing suggest that this variant may not impact splicing, though these predictions have not been confirmed by functional studies. There is no indication that this variant causes disease, but the evidence is insufficient currently to prove that conclusively. In summary, the clinical significance of this variant is currently uncertain.

NM_001042492.3(NF1):c.6148-12G>C

Gene: NF1 (neurofibromin 1; plus strand). Cytogenetic location: 17q11.2.
Variant type: single nucleotide variant.
Coding change: c.6148-12G>C on transcript NM_001042492.3 (MANE Select); 12 bases into the intron before coding-DNA position 6148, G replaced by C.
Molecular consequence: intron variant.
Genome position (GRCh38, 1-based): chr17:31,336,623, G>C. VCF-style: chr17-31336623-G-C. GRCh37 (hg19) VCF-style: chr17-29663641-G-C.
Other names: c.6085-12G>C (NM_000267.4).
Identifiers: ClinVar variation 1692342 (VCV001692342.2), dbSNP rs562331001, ClinGen allele CA2573153818.